The following is an entry in ClinVar:

NM_007194.4(CHEK2):c.1549A>G (p.Thr517Ala)

Gene: CHEK2 (checkpoint kinase 2; minus strand). Cytogenetic location: 22q12.1.
Variant type: single nucleotide variant.
Coding change: c.1549A>G on transcript NM_007194.4 (MANE Select); coding-DNA position 1549, A replaced by G.
Protein change: p.Thr517Ala; replaces threonine 517 with alanine.
Molecular consequence: missense variant.
Genome position (GRCh38, 1-based): chr22:28,687,980, T>C on the plus strand (A>G on the coding strand, the complement: CHEK2 is on the minus strand). VCF-style: chr22-28687980-T-C. GRCh37 (hg19) VCF-style: chr22-29083968-T-C.
Other names: c.1678A>G, p.Thr560Ala (NM_001005735.3); c.886A>G, p.Thr296Ala (NM_001257387.3); c.1348A>G, p.Thr450Ala (NM_001349956.3); c.1462A>G, p.Thr488Ala (NM_145862.3); short protein forms T296A, T450A, T488A, T517A, T560A.
Identifiers: ClinVar variation 1052881 (VCV001052881.13), dbSNP rs1555911631, ClinGen allele CA411091475.

ClinVar aggregate classification (germline): Uncertain significance. Review status: criteria provided, multiple submitters, no conflicts (2 of 4 stars). 3 submissions from 3 submitters: Uncertain significance (3). Last evaluated 2025-10-27.

Conditions:
Hereditary cancer-predisposing syndrome. Also called: Tumor predisposition; Hereditary neoplastic syndrome; Hereditary Cancer Syndrome; Neoplastic Syndromes, Hereditary. Identifiers: Orphanet 140162, MedGen C0027672, MeSH D009386, MONDO:0015356.
Familial cancer of breast. Also called: BREAST CANCER, FAMILIAL; Hereditary breast cancer; hereditary breast carcinoma. Identifiers: Orphanet 227535, MedGen C0346153, MONDO:0016419, OMIM 114480. Disease mechanism: loss of function.

Submissions (3):

Color Diagnostics, LLC DBA Color Health
Classification: Uncertain significance for Hereditary cancer-predisposing syndrome. Last evaluated: 2025-10-27. Review status: criteria provided, single submitter. Criteria: ACMG Guidelines, 2015. Collection method: clinical testing. Allele origin: germline.
Comment: This missense variant replaces threonine with alanine at codon 517 of the CHEK2 protein. Computational prediction suggests that this variant may not impact protein structure and function. To our knowledge, functional studies have not been reported for this variant. This variant has not been reported in individuals affected with CHEK2-related disorders in the literature. This variant has not been identified in the general population by the Genome Aggregation Database (gnomAD). The available evidence is insufficient to determine the role of this variant in disease conclusively. Therefore, this variant is classified as a Variant of Uncertain Significance.

Labcorp Genetics (formerly Invitae), Labcorp
Classification: Uncertain significance for Familial cancer of breast. Last evaluated: 2024-09-06. Review status: criteria provided, single submitter. Criteria: Invitae Variant Classification Sherloc (09022015). Collection method: clinical testing. Allele origin: germline.
Comment: This sequence change replaces threonine, which is neutral and polar, with alanine, which is neutral and non-polar, at codon 517 of the CHEK2 protein (p.Thr517Ala). This variant is not present in population databases (gnomAD no frequency). This variant has not been reported in the literature in individuals affected with CHEK2-related conditions. ClinVar contains an entry for this variant (Variation ID: 1052881). An algorithm developed to predict the effect of missense changes on protein structure and function (PolyPhen-2) suggests that this variant is likely to be tolerated. In summary, the available evidence is currently insufficient to determine the role of this variant in disease. Therefore, it has been classified as a Variant of Uncertain Significance.

Ambry Genetics
Classification: Uncertain significance for Hereditary cancer-predisposing syndrome. Last evaluated: 2022-03-31. Review status: criteria provided, single submitter. Criteria: Ambry Variant Classification Scheme 2023. Collection method: clinical testing. Allele origin: germline.
Comment: The p.T517A variant (also known as c.1549A>G), located in coding exon 14 of the CHEK2 gene, results from an A to G substitution at nucleotide position 1549. The threonine at codon 517 is replaced by alanine, an amino acid with similar properties. This amino acid position is conserved. In addition, this alteration is predicted to be tolerated by in silico analysis. Since supporting evidence is limited at this time, the clinical significance of this alteration remains unclear.